The following is an entry in ClinVar:

NM_003072.5(SMARCA4):c.1481C>T (p.Thr494Ile)

Gene: SMARCA4 (SWI/SNF related BAF chromatin remodeling complex subunit ATPase 4; plus strand). Cytogenetic location: 19p13.2.
Variant type: single nucleotide variant.
Coding change: c.1481C>T on transcript NM_003072.5 (MANE Select); coding-DNA position 1481, C replaced by T.
Protein change: p.Thr494Ile; replaces threonine 494 with isoleucine.
Molecular consequence: missense variant. On other transcripts: non-coding transcript variant (1).
Genome position (GRCh38, 1-based): chr19:10,994,889, C>T. VCF-style: chr19-10994889-C-T. GRCh37 (hg19) VCF-style: chr19-11105565-C-T.
Other names: c.1481C>T, p.Thr494Ile (NM_001128844.3, NM_001128845.2, NM_001128846.2 and 5 more transcripts); short protein forms T494I.
Identifiers: ClinVar variation 408682 (VCV000408682.17), dbSNP rs1060502098, ClinGen allele CA16616122.

ClinVar aggregate classification (germline): Conflicting classifications of pathogenicity. Review status: criteria provided, conflicting classifications (1 of 4 stars). 4 submissions from 4 submitters: Uncertain significance (3); Likely benign (1). Last evaluated 2025-12-06.

Conditions:
Hereditary cancer-predisposing syndrome. Also called: Hereditary Cancer Syndrome; Hereditary neoplastic syndrome; Neoplastic Syndromes, Hereditary; Tumor predisposition. Identifiers: Orphanet 140162, MedGen C0027672, MeSH D009386, MONDO:0015356.
Intellectual disability, autosomal dominant 16 (CSS4). Also called: COFFIN-SIRIS SYNDROME 4. Identifiers: Orphanet 1465, MedGen C3553249, MONDO:0013821, OMIM 614609.
Rhabdoid tumor predisposition syndrome 2 (RTPS2). Identifiers: Orphanet 231108, Orphanet 69077, MedGen C2750074, MONDO:0013224, OMIM 613325.

Allele frequency attached by ClinVar (database versions not stated): TOPMed below 0.00001; gnomAD exomes 0.00001.

Submissions (4):

Labcorp Genetics (formerly Invitae), Labcorp
Classification: Uncertain significance for Rhabdoid tumor predisposition syndrome 2. Last evaluated: 2025-12-06. Review status: criteria provided, single submitter. Criteria: Invitae Variant Classification Sherloc (09022015). Collection method: clinical testing. Allele origin: germline.
Comment: This sequence change replaces threonine, which is neutral and polar, with isoleucine, which is neutral and non-polar, at codon 494 of the SMARCA4 protein (p.Thr494Ile). This variant is not present in population databases (gnomAD no frequency). This variant has not been reported in the literature in individuals affected with SMARCA4-related conditions. ClinVar contains an entry for this variant (Variation ID: 408682). Invitae Evidence Modeling of protein sequence and biophysical properties (such as structural, functional, and spatial information, amino acid conservation, physicochemical variation, residue mobility, and thermodynamic stability) indicates that this missense variant is not expected to disrupt SMARCA4 protein function with a negative predictive value of 95%. In summary, the available evidence is currently insufficient to determine the role of this variant in disease. Therefore, it has been classified as a Variant of Uncertain Significance.

Ambry Genetics
Classification: Likely benign for Hereditary cancer-predisposing syndrome. Last evaluated: 2023-10-25. Review status: criteria provided, single submitter. Criteria: Ambry Variant Classification Scheme 2023. Collection method: clinical testing. Allele origin: germline.

GeneDx
Classification: Uncertain significance. Last evaluated: 2023-06-09. Review status: criteria provided, single submitter. Criteria: GeneDx Variant Classification Process June 2021. Collection method: clinical testing. Allele origin: germline. Affected: yes.
Comment: Not observed at significant frequency in large population cohorts (gnomAD); In silico analysis supports that this missense variant does not alter protein structure/function; Has not been previously published as pathogenic or benign to our knowledge; This variant is associated with the following publications: (PMID: 24658002)

Genome-Nilou Lab
Classification: Uncertain significance for Intellectual disability, autosomal dominant 16. Last evaluated: 2021-07-15. Review status: criteria provided, single submitter. Criteria: ACMG Guidelines, 2015. Collection method: clinical testing. Allele origin: germline. Affected: no.